The following is an entry in ClinVar:

ClinVar aggregate classification (germline): Conflicting classifications of pathogenicity. Review status: criteria provided, conflicting classifications (1 of 4 stars). 7 submissions from 7 submitters: Uncertain significance (6); Likely benign (1). Last evaluated 2026-01-10.

Conditions:
Hereditary cancer-predisposing syndrome. Also called: Hereditary Cancer Syndrome; Tumor predisposition; Hereditary neoplastic syndrome; Neoplastic Syndromes, Hereditary. Identifiers: Orphanet 140162, MedGen C0027672, MeSH D009386, MONDO:0015356.
Hereditary breast ovarian cancer syndrome. Also called: Hereditary breast and ovarian cancer syndrome (HBOC); Breast and ovarian cancer; Hereditary breast and/or ovarian cancer syndrome; BRCA1- and BRCA2-Associated Hereditary Breast and Ovarian Cancer; Hereditary breast and ovarian cancer syndrome; Hereditary breast and ovarian cancer. Identifiers: Orphanet 145, MedGen C0677776, MeSH D061325, MONDO:0003582. Disease mechanism: loss of function.

Allele frequency attached by ClinVar (database versions not stated): gnomAD 0.00001; gnomAD exomes 0.00001; TOPMed 0.00001; ExAC 0.00002; ESP Exome Variant Server 0.00015.
gnomAD v4.1: 2 of 1,612,234 alleles (0.00012%); highest among the groups gnomAD compares: African/African-American, 0.0027%; no homozygotes.

Submissions (7):

Labcorp Genetics (formerly Invitae), Labcorp
Classification: Uncertain significance for Hereditary breast ovarian cancer syndrome. Last evaluated: 2026-01-10. Review status: criteria provided, single submitter. Criteria: Invitae Variant Classification Sherloc (09022015). Collection method: clinical testing. Allele origin: germline.
Comment: This sequence change replaces aspartic acid, which is acidic and polar, with valine, which is neutral and non-polar, at codon 1033 of the BRCA2 protein (p.Asp1033Val). This variant is present in population databases (rs141702094, gnomAD 0.008%). This variant has not been reported in the literature in individuals affected with BRCA2-related conditions. ClinVar contains an entry for this variant (Variation ID: 246140). Invitae Evidence Modeling of protein sequence and biophysical properties (such as structural, functional, and spatial information, amino acid conservation, physicochemical variation, residue mobility, and thermodynamic stability) indicates that this missense variant is not expected to disrupt BRCA2 protein function with a negative predictive value of 95%. In summary, the available evidence is currently insufficient to determine the role of this variant in disease. Therefore, it has been classified as a Variant of Uncertain Significance.

Color Diagnostics, LLC DBA Color Health
Classification: Uncertain significance for Hereditary cancer-predisposing syndrome. Last evaluated: 2025-06-24. Review status: criteria provided, single submitter. Criteria: ACMG Guidelines, 2015. Collection method: clinical testing. Allele origin: germline.
Comment: This missense variant replaces aspartic acid with valine at codon 1033 of the BRCA2 protein. Computational prediction suggests that this variant may have deleterious impact on protein structure and function. To our knowledge, functional studies have not been reported for this variant. This variant has not been reported in individuals affected with BRCA2-related disorders in the literature. This variant has been identified in 3/281070 chromosomes in the general population by the Genome Aggregation Database (gnomAD). The available evidence is insufficient to determine the role of this variant in disease conclusively. Therefore, this variant is classified as a Variant of Uncertain Significance.

GeneDx
Classification: Uncertain significance. Last evaluated: 2023-10-20. Review status: criteria provided, single submitter. Criteria: GeneDx Variant Classification Process June 2021. Collection method: clinical testing. Allele origin: germline. Affected: yes.
Comment: Observed in an individual undergoing multi-gene panel testing based on personal and family history of cancer (PMID: 31853058); Not observed at significant frequency in large population cohorts (gnomAD); In silico analysis supports that this missense variant has a deleterious effect on protein structure/function; Also known as 3326A>T; This variant is associated with the following publications: (PMID: 29884841, 32377563, 9002670, 22193408, 31853058)

Ambry Genetics
Classification: Uncertain significance for Hereditary cancer-predisposing syndrome. Last evaluated: 2023-07-26. Review status: criteria provided, single submitter. Criteria: Ambry Variant Classification Scheme 2023. Collection method: clinical testing. Allele origin: germline.
Comment: The p.D1033V variant (also known as c.3098A>T), located in coding exon 10 of the BRCA2 gene, results from an A to T substitution at nucleotide position 3098. The aspartic acid at codon 1033 is replaced by valine, an amino acid with highly dissimilar properties. This amino acid position is highly conserved in available vertebrate species. In addition, this alteration is predicted to be deleterious by in silico analysis. Since supporting evidence is limited at this time, the clinical significance of this alteration remains unclear.

University of Washington Department of Laboratory Medicine, University of Washington
Classification: Likely benign for Hereditary cancer-predisposing syndrome. Last evaluated: 2023-03-23. Review status: criteria provided, single submitter. Criteria: Dines et al. (Genet Med. 2020). Collection method: curation. Allele origin: germline.
Comment: Missense variant in a coldspot region where missense variants are very unlikely to be pathogenic (PMID:31911673).

BRCA2 exon 11 coldspot. Reclassification based on statistical prior probability.

Blueprint Genetics
Classification: Uncertain significance. Last evaluated: 2020-03-25. Review status: criteria provided, single submitter. Criteria: ACMG Guidelines, 2015. Collection method: clinical testing. Allele origin: germline.

Quest Diagnostics Nichols Institute San Juan Capistrano
Classification: Uncertain significance. Last evaluated: 2019-03-22. Review status: criteria provided, single submitter. Criteria: Quest Diagnostics criteria. Collection method: clinical testing. Allele origin: germline.

NM_000059.4(BRCA2):c.3098A>T (p.Asp1033Val)

Gene: BRCA2 (BRCA2 DNA repair associated; plus strand). Cytogenetic location: 13q13.1.
Variant type: single nucleotide variant.
Coding change: c.3098A>T on transcript NM_000059.4 (MANE Select); coding-DNA position 3098, A replaced by T.
Protein change: p.Asp1033Val; replaces aspartic acid 1033 with valine.
Molecular consequence: missense variant.
Genome position (GRCh38, 1-based): chr13:32,337,453, A>T. VCF-style: chr13-32337453-A-T. GRCh37 (hg19) VCF-style: chr13-32911590-A-T.
Other names: short protein forms D1033V.
Identifiers: ClinVar variation 246140 (VCV000246140.22), dbSNP rs141702094, ClinGen allele CA6940666.